The following is an entry in ClinVar:

ClinVar aggregate classification (germline): Likely pathogenic. Review status: criteria provided, single submitter (1 of 4 stars). 3 submissions from 3 submitters: Likely pathogenic (1). 2 of the submissions do not count toward it. Last evaluated 2020-05-26.

Conditions:
Posterior Predominant Lissencephaly.
Lissencephaly 10. Identifiers: MedGen C5394354, MONDO:0030031, OMIM 618873.

Submissions (3):

Victorian Clinical Genetics Services, Murdoch Childrens Research Institute
Classification: Likely pathogenic for Lissencephaly 10. Last evaluated: 2020-05-26. Review status: criteria provided, single submitter. Criteria: ACMG Guidelines, 2015. Collection method: clinical testing. Allele origin: germline. Inheritance: Autosomal dominant inheritance. Affected: yes.
Comment: Based on the classification scheme VCGS_Germline_v1.1.1, this variant is classified as likely pathogenic. Following criteria are met: 0105 - The mechanism of disease for this gene is not clearly established. (N) 0107 - This gene is known to be associated with autosomal dominant disease. (N) 0200 - Variant is predicted to result in a missense amino acid change from aspartic acid to asparagine (exon 2). (N) 0251 - Variant is heterozygous. (N) 0301 - Variant is absent from gnomAD. (P) 0502 - Missense variant with conflicting in silico predictions and/or uninformative conservation. (N) 0602 - Variant is located in a hotspot region or cluster of pathogenic variants (PMID: 32097630, PMID: 32097629). (P) 0704 - Comparable variant (p.Asp65Ala) has low previous evidence for pathogenicity in one de novo patient with variable pachygyria (PMID: 32097629). (P) 0807 - Variant has not previously been reported in a clinical context. (N) 0905 - No segregation evidence has been identified for this variant. (N) 1007 - No published functional evidence has been identified for this variant. (P) Legend: (P) - Pathogenic, (N) - Neutral, (B) - Benign

OMIM
Classification: Pathogenic for LISSENCEPHALY 10. Last evaluated: 2020-05-08. Review status: no assertion criteria provided. Collection method: literature only. Allele origin: germline. Not counted in ClinVar's aggregate classification.

University of Washington Center for Mendelian Genomics, University of Washington
Classification: Likely pathogenic for Posterior Predominant Lissencephaly. Review status: no assertion criteria provided. Collection method: research. Allele origin: de novo. Affected: yes. Not counted in ClinVar's aggregate classification.

Literature cited by the submitters: PubMed 32097629 (cited by Victorian Clinical Genetics Services, Murdoch Childrens Research Institute); PubMed 32097630 (cited by 3 submitters).

NM_001042475.3(CEP85L):c.193G>A (p.Asp65Asn)

Gene: CEP85L (centrosomal protein 85 like; minus strand). Cytogenetic location: 6q22.31.
Variant type: single nucleotide variant.
Coding change: c.193G>A on transcript NM_001042475.3 (MANE Select); coding-DNA position 193, G replaced by A.
Protein change: p.Asp65Asn; replaces aspartic acid 65 with asparagine.
Molecular consequence: missense variant.
Genome position (GRCh38, 1-based): chr6:118,632,492, C>T on the plus strand (G>A on the coding strand, the complement: CEP85L is on the minus strand). VCF-style: chr6-118632492-C-T. GRCh37 (hg19) VCF-style: chr6-118953655-C-T.
Other names: c.193G>A (NM_001042475.2); c.202G>A, p.Asp68Asn (NM_001178035.2); c.193G>A, p.Asp65Asn (NM_206921.3); short protein forms D65N, D68N.
Identifiers: ClinVar variation 872890 (VCV000872890.3), dbSNP rs1774229245, ClinGen allele CA365547119.